The following is an entry in ClinVar:

NM_006180.6(NTRK2):c.640A>G (p.Ile214Val)

Gene: NTRK2 (neurotrophic receptor tyrosine kinase 2; plus strand). Cytogenetic location: 9q21.33.
Variant type: single nucleotide variant.
Coding change: c.640A>G on transcript NM_006180.6 (MANE Select); coding-DNA position 640, A replaced by G.
Protein change: p.Ile214Val; replaces isoleucine 214 with valine.
Molecular consequence: missense variant.
Genome position (GRCh38, 1-based): chr9:84,723,629, A>G. VCF-style: chr9-84723629-A-G. GRCh37 (hg19) VCF-style: chr9-87338544-A-G.
Other names: c.640A>G, p.Ile214Val (NM_001007097.3, NM_001018064.3, NM_001018065.2 and 18 more transcripts); c.172A>G, p.Ile58Val (NM_001369535.1, NM_001369536.1, NM_001369550.1 and 2 more transcripts); short protein forms I214V, I58V.
Identifiers: ClinVar variation 5000538 (VCV005000538.1).
Genomic context (GRCh38, chr9:84,723,629, plus strand): 5'-ATAGGTTTGCCATCTGCAAATCTGGCCGCACCTAACCTCACTGTGGAGGAAGGAAAGTCT[A>G]TCACATTATCCTGTAGTGTGGCAGGTGATCCGGTTCCTAATATGTATTGGGATGTTGGTA-3'
Protein context (NP_006171.2, residues 204-224): PNLTVEEGKS[Ile214Val]TLSCSVAGDP

ClinVar aggregate classification (germline): Uncertain significance (1 of 4 stars; one submission).

Conditions:
NTRK2-related disorder. Also called: NTRK2-related condition.

gnomAD v4.1: 2 of 1,614,140 alleles (0.00012%); highest among the groups gnomAD compares: Non-Finnish European, 0.000085%; no homozygotes.

Submission:

PreventionGenetics, part of Exact Sciences
Classification: Uncertain significance for NTRK2-related condition. Last evaluated: 2025-05-20. Review status: criteria provided, single submitter. Criteria: ACMG Guidelines, 2015. Collection method: clinical testing. Allele origin: germline.
Comment: The NTRK2 c.640A>G variant is predicted to result in the amino acid substitution p.Ile214Val. To our knowledge, this variant has not been reported in the literature or in a large population database (gnomAD), indicating this variant is rare. At this time, the clinical significance of this variant is uncertain due to the absence of conclusive functional and genetic evidence.